The following is an entry in ClinVar:

ClinVar aggregate classification (germline): Uncertain significance. Review status: criteria provided, multiple submitters, no conflicts (2 of 4 stars). 2 submissions from 2 submitters: Uncertain significance (2). Last evaluated 2024-03-18.

Conditions:
Joubert syndrome 14 (JBTS14). Identifiers: MedGen C3280766, MONDO:0013745, OMIM 614424.

Allele frequency attached by ClinVar (database versions not stated): TOPMed 0.00002; ExAC 0.00007.

Submissions (2):

Fulgent Genetics
Classification: Uncertain significance for Joubert syndrome 14. Last evaluated: 2024-03-18. Review status: criteria provided, single submitter. Criteria: ACMG Guidelines, 2015. Collection method: clinical testing. Allele origin: germline.

Labcorp Genetics (formerly Invitae), Labcorp
Classification: Uncertain significance for Joubert syndrome 14. Last evaluated: 2022-11-15. Review status: criteria provided, single submitter. Criteria: Invitae Variant Classification Sherloc (09022015). Collection method: clinical testing. Allele origin: germline.
Comment: In summary, the available evidence is currently insufficient to determine the role of this variant in disease. Therefore, it has been classified as a Variant of Uncertain Significance. Algorithms developed to predict the effect of missense changes on protein structure and function (SIFT, PolyPhen-2, Align-GVGD) all suggest that this variant is likely to be tolerated. This variant has not been reported in the literature in individuals affected with TMEM237-related conditions. This variant is present in population databases (rs750715798, gnomAD 0.02%). This sequence change replaces glycine, which is neutral and non-polar, with serine, which is neutral and polar, at codon 12 of the TMEM237 protein (p.Gly12Ser).

NM_001044385.3(TMEM237):c.34G>A (p.Gly12Ser)

Genes: TMEM237 (transmembrane protein 237; minus strand), LOC129935417 (ATAC-STARR-seq lymphoblastoid silent region 12235; plus strand). Cytogenetic location: 2q33.1.
Variant type: single nucleotide variant.
Coding change: c.34G>A on transcript NM_001044385.3 (MANE Select); coding-DNA position 34, G replaced by A.
Protein change: p.Gly12Ser; replaces glycine 12 with serine.
Molecular consequence: missense variant.
Genome position (GRCh38, 1-based): chr2:201,643,367, C>T on the plus strand (G>A on the coding strand, the complement: TMEM237 is on the minus strand). VCF-style: chr2-201643367-C-T. GRCh37 (hg19) VCF-style: chr2-202508090-C-T.
Other names: short protein forms G12S.
Identifiers: ClinVar variation 2189661 (VCV002189661.5), dbSNP rs750715798, ClinGen allele CA2056703.
Genomic context (GRCh38, chr2:201,643,367, plus strand): 5'-TGTAGCTGTTTACCCGCCACCTCTCGAGGCCGACGCGCCCCTCGCCGCTCACCAGGTGGC[C>T]CTCCTCCAGCCGAGCCCCCGAGTCAGTCCTCATGGTGCTCTCCCCGCGGGGCTGCCCCGG-3'
Protein context (NP_001037850.1, residues 2-22): RTDSGARLEE[Gly12Ser]HLRPPRALPP